The following is an entry in ClinVar:

ClinVar aggregate classification (germline): Uncertain significance (1 of 4 stars; one submission).

Conditions:
Autosomal dominant nocturnal frontal lobe epilepsy 5. Also called: Epilepsy, nocturnal frontal lobe, 5; CILIARY DYSKINESIA, PRIMARY, 28, WITHOUT SITUS INVERSUS; CILIARY DYSKINESIA, PRIMARY, 28, WITH SITUS INVERSUS; KCNT1-Related Epilepsy. Identifiers: Orphanet 98784, MedGen C3554306, MONDO:0014002, OMIM 615005.
Developmental and epileptic encephalopathy, 14 (DEE14). Also called: Early infantile epileptic encephalopathy 14. Identifiers: Orphanet 293181, MedGen C3554195, MONDO:0013989, OMIM 614959.

Submission:

Labcorp Genetics (formerly Invitae), Labcorp
Classification: Uncertain significance for Autosomal dominant nocturnal frontal lobe epilepsy 5; Developmental and epileptic encephalopathy, 14. Last evaluated: 2023-04-09. Review status: criteria provided, single submitter. Criteria: Invitae Variant Classification Sherloc (09022015). Collection method: clinical testing. Allele origin: germline.
Comment: In summary, the available evidence is currently insufficient to determine the role of this variant in disease. Therefore, it has been classified as a Variant of Uncertain Significance. Advanced modeling of protein sequence and biophysical properties (such as structural, functional, and spatial information, amino acid conservation, physicochemical variation, residue mobility, and thermodynamic stability) performed at Invitae indicates that this missense variant is not expected to disrupt KCNT1 protein function. This variant has not been reported in the literature in individuals affected with KCNT1-related conditions. This variant is not present in population databases (gnomAD no frequency). This sequence change replaces asparagine, which is neutral and polar, with lysine, which is basic and polar, at codon 603 of the KCNT1 protein (p.Asn603Lys).

NM_020822.3(KCNT1):c.1809C>A (p.Asn603Lys)

Gene: KCNT1 (potassium sodium-activated channel subfamily T member 1; plus strand). Cytogenetic location: 9q34.3.
Variant type: single nucleotide variant.
Coding change: c.1809C>A on transcript NM_020822.3 (MANE Select); coding-DNA position 1809, C replaced by A.
Protein change: p.Asn603Lys; replaces asparagine 603 with lysine.
Molecular consequence: missense variant.
Genome position (GRCh38, 1-based): chr9:135,770,896, C>A. VCF-style: chr9-135770896-C-A. GRCh37 (hg19) VCF-style: chr9-138662742-C-A.
Other names: c.1674C>A, p.Asn558Lys (NM_001272003.2); short protein forms N558K, N603K.
Identifiers: ClinVar variation 2944896 (VCV002944896.3), dbSNP rs766684511, ClinGen allele CA375508026.